The following is an entry in ClinVar:

NM_000131.4(F7):c.-84T>C

Gene: F7 (coagulation factor VII; plus strand). Cytogenetic location: 13q34.
Variant type: single nucleotide variant.
Coding change: c.-84T>C on transcript NM_000131.4; 84 bases upstream of the start codon, T replaced by C.
Genome position (GRCh38, 1-based): chr13:113,105,758, T>C. VCF-style: chr13-113105758-T-C. GRCh37 (hg19) VCF-style: chr13-113760072-T-C.
Other names: p.?.
Identifiers: ClinVar variation 4879336 (VCV004879336.1).
Genomic context (GRCh38, chr13:113,105,758, plus strand): 5'-GGTGCAGCTCTCAGCTGGGGTGTTCAGAGGACGCCTGTGTCCTCCCCTCCCCCATCCCTC[T>C]GTCACCCTTGGAGGCAGAGAACTTTGCCCGTCAGTCCCATGGGGAATGTCAACAGGCAGG-3'

ClinVar aggregate classification (germline): Uncertain significance (1 of 4 stars; one submission).

Submission:

Mayo Clinic Laboratories, Mayo Clinic
Classification: Uncertain significance. Last evaluated: 2025-01-16. Review status: criteria provided, single submitter. Criteria: ACMG Guidelines, 2015. Collection method: clinical testing. Allele origin: germline. Observed: 1 variant allele.
Comment: PM2_supporting